The following is an entry in ClinVar:

ClinVar aggregate classification (germline): Pathogenic/Likely pathogenic. Review status: criteria provided, multiple submitters, no conflicts (2 of 4 stars). 3 submissions from 3 submitters: Pathogenic (1); Likely pathogenic (1). 1 of the submissions does not count toward it. Last evaluated 2024-10-21.

Conditions:
Farber lipogranulomatosis (FRBRL). Also called: AC DEFICIENCY; ACID CERAMIDASE DEFICIENCY; CERAMIDASE DEFICIENCY; N-LAURYLSPHINGOSINE DEACYLASE DEFICIENCY; Farber's lipogranulomatosis; Farber's disease. Identifiers: Orphanet 333, MedGen C0268255, MONDO:0009218, OMIM 228000.

Submissions (3):

GeneDx
Classification: Pathogenic. Last evaluated: 2024-10-21. Review status: criteria provided, single submitter. Criteria: GeneDx Variant Classification Process June 2021. Collection method: clinical testing. Allele origin: germline. Affected: yes.
Comment: Published functional studies demonstrate a damaging effect with markedly reduced enzyme activity (PMID: 11241842); Not observed at significant frequency in large population cohorts (gnomAD); In silico analysis supports that this missense variant has a deleterious effect on protein structure/function; Also known as p.(Y52C); This variant is associated with the following publications: (PMID: 34088014, 11241842, 32875576)

SIB Swiss Institute of Bioinformatics
Classification: Likely pathogenic for Farber lipogranulomatosis. Last evaluated: 2018-04-16. Review status: criteria provided, single submitter. Criteria: ACMG Guidelines, 2015. Collection method: curation. Allele origin: germline.
Comment: This variant is interpreted as a Likely Pathogenic, for Farber lipogranulomatosis, Autosomal Recessive inheritance. The following ACMG Tag(s) were applied: PM2 => Absent from controls (or at extremely low frequency if recessive) in Exome Sequencing Project, 1000 Genomes Project, or Exome Aggregation Consortium. PP3 => Multiple lines of computational evidence support a deleterious effect on the gene or gene product. PS3 => Well-established functional studies show a deleterious effect (PMID:11241842).

OMIM
Classification: Pathogenic for FARBER LIPOGRANULOMATOSIS. Last evaluated: 2001-03-01. Review status: no assertion criteria provided. Collection method: literature only. Allele origin: germline. Not counted in ClinVar's aggregate classification.

Literature cited by the submitters: PubMed 11241842 (cited by SIB Swiss Institute of Bioinformatics and OMIM); Souillet, G., Guibaud, P., Fensom, A. H., Maire, I., Zabot, M. T. Outcome of displacement bone marrow transplantation in Farber's disease: a report of a case. In: Hobbs, J. R. (ed.) Correction of Certain Genetic Diseases by Transplantation. London: COGENT 137-141, 1989. (cited by OMIM).

NM_177924.5(ASAH1):c.107A>G (p.Tyr36Cys)

Gene: ASAH1 (N-acylsphingosine amidohydrolase 1; minus strand). Cytogenetic location: 8p22.
Variant type: single nucleotide variant.
Coding change: c.107A>G on transcript NM_177924.5 (MANE Select); coding-DNA position 107, A replaced by G.
Protein change: p.Tyr36Cys; replaces tyrosine 36 with cysteine.
Molecular consequence: missense variant. On other transcripts: 5 prime UTR variant (1).
Genome position (GRCh38, 1-based): chr8:18,075,559, T>C on the plus strand (A>G on the coding strand, the complement: ASAH1 is on the minus strand). VCF-style: chr8-18075559-T-C. GRCh37 (hg19) VCF-style: chr8-17933068-T-C.
Other names: NM_001127505.1:c.155A>G; NM_001127505.2:c.155A>G(p.Tyr52Cys); NM_004315.4:c.155A>G; NM_004315.5:c.155A>G(p.Tyr52Cys); NM_177924.4:c.107A>G(p.Tyr36Cys); c.155A>G, p.Tyr52Cys (NM_001127505.3, NM_004315.6); c.-89A>G (NM_001363743.2); short protein forms Y36C, Y52C.
Identifiers: ClinVar variation 93 (VCV000000093.2), dbSNP rs137853595, ClinGen allele CA113842.